The following is an entry in ClinVar:

NM_020975.6(RET):c.1996_2001del (p.Lys666_Pro667del)

Gene: RET (ret proto-oncogene; plus strand). Cytogenetic location: 10q11.21.
Variant type: Deletion.
Coding change: c.1996_2001del on transcript NM_020975.6 (MANE Select); coding-DNA positions 1996 to 2001, 6 bases deleted (AAGCCA; older notation c.1996_2001delAAGCCA).
Protein change: p.Lys666_Pro667del.
Molecular consequence: inframe deletion. On other transcripts: inframe indel (39).
Genome position (GRCh38, 1-based): chr10:43,114,596-43,114,601, AAGCCA deleted. VCF-style (leftmost placement, unchanged base first): chr10-43114595-CAAGCCA-C. GRCh37 (hg19) VCF-style: chr10-43610043-CAAGCCA-C.
Other names: c.1996_2001delAAGCCA, p.Lys666_Pro667del (NM_000323.2, NM_001406743.1, NM_001406744.1 and 5 more transcripts); c.1234_1239delAAGCCA, p.Lys412_Pro413del (NM_001355216.2); c.1867_1872delAAGCCA, p.Lys623_Pro624del (NM_001406761.1, NM_001406762.1, NM_001406764.1); c.1708_1713delAAGCCA, p.Lys570_Pro571del (NM_001406766.1, NM_001406767.1, NM_001406770.1); c.1600_1605delAAGCCA, p.Lys534_Pro535del (NM_001406769.1, NM_001406772.1); c.1558_1563delAAGCCA, p.Lys520_Pro521del (NM_001406771.1, NM_001406773.1); c.1471_1476delAAGCCA, p.Lys491_Pro492del (NM_001406774.1); c.1270_1275delAAGCCA, p.Lys424_Pro425del (NM_001406775.1, NM_001406776.1, NM_001406777.1 and 1 more transcripts); and 7 more.
Identifiers: ClinVar variation 860856 (VCV000860856.10), dbSNP rs1838024811, ClinGen allele CA916081585.

ClinVar aggregate classification (germline): Uncertain significance (1 of 4 stars; one submission).

Conditions:
Multiple endocrine neoplasia, type 2 (MEN2). Identifiers: Orphanet 653, MedGen C4048306, MONDO:0019003. Disease mechanism: gain of function.

Submission:

Labcorp Genetics (formerly Invitae), Labcorp
Classification: Uncertain significance for Multiple endocrine neoplasia, type 2. Last evaluated: 2019-12-03. Review status: criteria provided, single submitter. Criteria: Invitae Variant Classification Sherloc (09022015). Collection method: clinical testing. Allele origin: germline.
Comment: In summary, the available evidence is currently insufficient to determine the role of this variant in disease. Therefore, it has been classified as a Variant of Uncertain Significance. Experimental studies and prediction algorithms are not available or were not evaluated, and the functional significance of this variant is currently unknown. This variant has not been reported in the literature in individuals with RET-related conditions. This variant is not present in population databases (ExAC no frequency). This variant, c.1996_2001del, results in the deletion of 2 amino acid(s) of the RET protein (p.Lys666_Pro667del), but otherwise preserves the integrity of the reading frame.